The following is an entry in ClinVar:

NM_000271.5(NPC1):c.423_424dup (p.Lys142fs)

Gene: NPC1 (NPC intracellular cholesterol transporter 1; minus strand). Cytogenetic location: 18q11.2.
Variant type: Duplication.
Coding change: c.423_424dup on transcript NM_000271.5 (MANE Select); coding-DNA positions 423 to 424, 2 bases duplicated (GA; older notation c.423_424dupGA).
Protein change: p.Lys142fs; shifts the reading frame from lysine 142.
Molecular consequence: frameshift variant.
Genome position (GRCh38, 1-based): chr18:23,568,862-23,568,863, TC duplicated on the plus strand (GA on the coding strand, the reverse complement: NPC1 is on the minus strand). VCF-style (leftmost placement, unchanged base first): chr18-23568861-T-TTC. GRCh37 (hg19) VCF-style: chr18-21148825-T-TTC.
Other names: c.423_424dupGA (NM_000271.4); short protein forms K142fs.
Identifiers: ClinVar variation 503633 (VCV000503633.16), dbSNP rs773941375, ClinGen allele CA8913747.

ClinVar aggregate classification (germline): Pathogenic. Review status: criteria provided, multiple submitters, no conflicts (2 of 4 stars). 5 submissions from 5 submitters: Pathogenic (4). 1 of the submissions does not count toward it. Last evaluated 2025-12-02.

Conditions:
Niemann-Pick disease, type C (NPC). Identifiers: Orphanet 646, MedGen C0220756, MONDO:0018982.
Niemann-Pick disease, type C1. Also called: NIEMANN-PICK DISEASE, VARIANT TYPE C1; NEUROVISCERAL STORAGE DISEASE WITH VERTICAL SUPRANUCLEAR OPHTHALMOPLEGIA; NIEMANN-PICK DISEASE WITH CHOLESTEROL ESTERIFICATION BLOCK; NIEMANN-PICK DISEASE WITHOUT SPHINGOMYELINASE DEFICIENCY; NIEMANN-PICK DISEASE, CHRONIC NEURONOPATHIC FORM. Identifiers: Orphanet 646, MedGen C3179455, MONDO:0009757, OMIM 257220.

Allele frequency attached by ClinVar (database versions not stated): gnomAD exomes below 0.00001 and 0.00001; ExAC 0.00001; gnomAD 0.00002 and 0.00003; TOPMed 0.00002; ESP Exome Variant Server 0.00008.

Submissions (5):

Natera, Inc.
Classification: Pathogenic for Niemann-Pick disease type C1. Last evaluated: 2025-12-02. Review status: criteria provided, single submitter. Criteria: Natera Variant Classification Schema (03/2026). Collection method: clinical testing. Allele origin: germline.
Comment: The c.423_424dupGA variant in NPC1 is a frameshift variant predicted to shift the reading frame beginning at codon 142 and leads to a stop codon 80 codons downstream. This variant is expected to result in nonsense mediated decay, truncation, or a dysfunctional protein product. This variant is rare in the general population with a frequency below the threshold expected for the associated phenotype(s). This variant has been observed in one or more individuals affected with the associated recessive disease, as either homozygous or compound heterozygous with a second variant (PMID: 27139891, 35694196). Given the available evidence, this variant is classified as Pathogenic.

Labcorp Genetics (formerly Invitae), Labcorp
Classification: Pathogenic for Niemann-Pick disease, type C1. Last evaluated: 2023-10-23. Review status: criteria provided, single submitter. Criteria: Invitae Variant Classification Sherloc (09022015). Collection method: clinical testing. Allele origin: germline.
Comment: This sequence change creates a premature translational stop signal (p.Lys142Argfs*80) in the NPC1 gene. It is expected to result in an absent or disrupted protein product. Loss-of-function variants in NPC1 are known to be pathogenic (PMID: 9211850). This variant is present in population databases (rs773941375, gnomAD 0.004%). This premature translational stop signal has been observed in individual(s) with Niemann-Pick Disease Type C (PMID: 12955717). ClinVar contains an entry for this variant (Variation ID: 503633). For these reasons, this variant has been classified as Pathogenic.

GeneDx
Classification: Pathogenic. Last evaluated: 2022-09-28. Review status: criteria provided, single submitter. Criteria: GeneDx Variant Classification Process June 2021. Collection method: clinical testing. Allele origin: germline. Affected: yes.
Comment: Identified using alternate nomenclature c.424_425insGA in a cohort of individuals with biochemically confirmed Niemann-Pick disease type C, however, the number of individuals harboring this variant and additional clinical information was not provided (Park et al., 2003); Frameshift variant predicted to result in protein truncation or nonsense mediated decay in a gene for which loss-of-function is a known mechanism of disease; Not observed at significant frequency in large population cohorts (gnomAD); This variant is associated with the following publications: (PMID: 12955717, 27139891, 25764212, 9211850, 26338816)

Women's Health and Genetics/Laboratory Corporation of America, LabCorp
Classification: Pathogenic for Niemann-Pick disease, type C. Last evaluated: 2022-06-29. Review status: criteria provided, single submitter. Criteria: LabCorp Variant Classification Summary - May 2015. Collection method: clinical testing. Allele origin: germline.
Comment: Variant summary: NPC1 c.423_424dupGA (p.Lys142ArgfsX80) results in a premature termination codon, predicted to cause a truncation of the encoded protein or absence of the protein due to nonsense mediated decay, which are commonly known mechanisms for disease. Truncations downstream of this position have been classified as pathogenic by our laboratory. The variant allele was found at a frequency of 4e-06 in 251408 control chromosomes (gnomAD). c.423_424dupGA has been reported in the literature in individuals affected with Niemann-Pick Disease Type C (Mazzacuva_2016, Park_2003). These data indicate that the variant is likely to be associated with disease. To our knowledge, no experimental evidence demonstrating an impact on protein function has been reported. Two clinical diagnostic laboratories have submitted clinical-significance assessments for this variant to ClinVar after 2014 and classified the variant as pathogenic. Based on the evidence outlined above, the variant was classified as pathogenic.

Counsyl
Classification: Likely pathogenic for Niemann-Pick disease, type C1. Last evaluated: 2014-01-02. Review status: no assertion criteria provided. Collection method: clinical testing. Allele origin: unknown. Not counted in ClinVar's aggregate classification.

Literature cited by the submitters: PubMed 27139891 (cited by Natera, Inc. and Women's Health and Genetics/Laboratory Corporation of America, LabCorp); PubMed 35694196 (cited by Natera, Inc.); PubMed 9211850 (cited by Labcorp Genetics (formerly Invitae), Labcorp); PubMed 12955717 (cited by 3 submitters); PubMed 25764212 (cited by Women's Health and Genetics/Laboratory Corporation of America, LabCorp); PubMed 26338816 (cited by Women's Health and Genetics/Laboratory Corporation of America, LabCorp).